The following is an entry in ClinVar:

NM_000712.4(BLVRA):c.261C>G (p.Phe87Leu)

Gene: BLVRA (biliverdin reductase A; plus strand). Cytogenetic location: 7p13.
Variant type: single nucleotide variant.
Coding change: c.261C>G on transcript NM_000712.4 (MANE Select); coding-DNA position 261, C replaced by G.
Protein change: p.Phe87Leu; replaces phenylalanine 87 with leucine.
Molecular consequence: missense variant.
Genome position (GRCh38, 1-based): chr7:43,792,721, C>G. VCF-style: chr7-43792721-C-G. GRCh37 (hg19) VCF-style: chr7-43832320-C-G.
Other names: c.261C>G, p.Phe87Leu (NM_001253823.2); short protein forms F87L.
Identifiers: ClinVar variation 4767196 (VCV004767196.1).

ClinVar aggregate classification (germline): Uncertain significance (1 of 4 stars; one submission).

Submission:

Labcorp Genetics (formerly Invitae), Labcorp
Classification: Uncertain significance. Last evaluated: 2025-06-13. Review status: criteria provided, single submitter. Criteria: Invitae Variant Classification Sherloc (09022015). Collection method: clinical testing. Allele origin: germline.
Comment: This sequence change replaces phenylalanine, which is neutral and non-polar, with leucine, which is neutral and non-polar, at codon 87 of the BLVRA protein (p.Phe87Leu). This variant is not present in population databases (gnomAD no frequency). This variant has not been reported in the literature in individuals affected with BLVRA-related conditions. An algorithm developed to predict the effect of missense changes on protein structure and function (PolyPhen-2) suggests that this variant is likely to be disruptive. In summary, the available evidence is currently insufficient to determine the role of this variant in disease. Therefore, it has been classified as a Variant of Uncertain Significance.